The following is an entry in ClinVar:

NM_006767.4(LZTR1):c.734G>A (p.Gly245Glu)

Gene: LZTR1 (leucine zipper like post translational regulator 1; plus strand). Cytogenetic location: 22q11.21.
Variant type: single nucleotide variant.
Coding change: c.734G>A on transcript NM_006767.4 (MANE Select); coding-DNA position 734, G replaced by A.
Protein change: p.Gly245Glu; replaces glycine 245 with glutamic acid.
Molecular consequence: missense variant.
Genome position (GRCh38, 1-based): chr22:20,990,468, G>A. VCF-style: chr22-20990468-G-A. GRCh37 (hg19) VCF-style: chr22-21344757-G-A.
Other names: c.734G>A (NM_006767.3); short protein forms G245E.
Identifiers: ClinVar variation 2744718 (VCV002744718.4), dbSNP rs2518615813, ClinGen allele CA410780587.
Genomic context (GRCh38, chr22:20,990,468, plus strand): 5'-CCCCATCTTGCTGCAACTTCCCCGTGGCTGTGTGCCGGGACAAGATGTTTGTATTCTCTG[G>A]GCAAAGCGGAGCCAAAATAACCAACAACCTCTTCCAGTTTGAATTCAAGGACAAGACGTG-3'
Protein context (NP_006758.2, residues 235-255): VCRDKMFVFS[Gly245Glu]QSGAKITNNL

ClinVar aggregate classification (germline): Uncertain significance. Review status: criteria provided, multiple submitters, no conflicts (2 of 4 stars). 2 submissions from 2 submitters: Uncertain significance (2). Last evaluated 2024-11-30.

Conditions:
Hereditary cancer-predisposing syndrome. Also called: Hereditary Cancer Syndrome; Neoplastic Syndromes, Hereditary; Tumor predisposition; Hereditary neoplastic syndrome. Identifiers: Orphanet 140162, MedGen C0027672, MeSH D009386, MONDO:0015356.
Cardiovascular phenotype. Identifiers: MedGen CN230736.

Submissions (2):

Ambry Genetics
Classification: Uncertain significance for Cardiovascular phenotype; Hereditary cancer-predisposing syndrome. Last evaluated: 2024-11-30. Review status: criteria provided, single submitter. Criteria: Ambry Variant Classification Scheme 2023. Collection method: clinical testing. Allele origin: germline.
Comment: The p.G245E variant (also known as c.734G>A), located in coding exon 8 of the LZTR1 gene, results from a G to A substitution at nucleotide position 734. The glycine at codon 245 is replaced by glutamic acid, an amino acid with similar properties. This amino acid position is conserved. In addition, this alteration is predicted to be deleterious by in silico analysis. Based on the available evidence, the clinical significance of this variant remains unclear.

Labcorp Genetics (formerly Invitae), Labcorp
Classification: Uncertain significance. Last evaluated: 2023-07-18. Review status: criteria provided, single submitter. Criteria: Invitae Variant Classification Sherloc (09022015). Collection method: clinical testing. Allele origin: germline.
Comment: In summary, the available evidence is currently insufficient to determine the role of this variant in disease. Therefore, it has been classified as a Variant of Uncertain Significance. Advanced modeling of protein sequence and biophysical properties (such as structural, functional, and spatial information, amino acid conservation, physicochemical variation, residue mobility, and thermodynamic stability) performed at Invitae indicates that this missense variant is not expected to disrupt LZTR1 protein function. This variant has not been reported in the literature in individuals affected with LZTR1-related conditions. This variant is not present in population databases (gnomAD no frequency). This sequence change replaces glycine, which is neutral and non-polar, with glutamic acid, which is acidic and polar, at codon 245 of the LZTR1 protein (p.Gly245Glu).